The following is an entry in ClinVar:

ClinVar aggregate classification (germline): Conflicting classifications of pathogenicity. Review status: criteria provided, conflicting classifications (1 of 4 stars). 7 submissions from 7 submitters: Uncertain significance (6); Likely benign (1). Last evaluated 2025-09-20.

Conditions:
Fanconi anemia complementation group E (FANCE). Also called: FANCE-Related Fanconi Anemia. Identifiers: Orphanet 84, MedGen C3160739, MONDO:0010953, OMIM 600901.
Inborn genetic diseases. Identifiers: MedGen C0950123, MeSH D030342.

Allele frequency attached by ClinVar (database versions not stated): ExAC below 0.00001; gnomAD exomes 0.00005; gnomAD 0.00026; 1000 Genomes Project 30x 0.00031; TOPMed 0.00054.
gnomAD v4.1: 140 of 1,273,382 alleles (0.011%); highest among the groups gnomAD compares: African/African-American, 0.17%; no homozygotes.

Submissions (7):

GeneDx
Classification: Uncertain significance. Last evaluated: 2025-09-20. Review status: criteria provided, single submitter. Criteria: GeneDx Variant Classification Process June 2021. Collection method: clinical testing. Allele origin: germline. Affected: yes.
Comment: In silico analysis suggests that this missense variant does not alter protein structure/function; Has not been previously published as pathogenic or benign to our knowledge

Blueprint Genetics
Classification: Uncertain significance. Last evaluated: 2024-11-25. Review status: criteria provided, single submitter. Criteria: ACMG Guidelines, 2015. Collection method: clinical testing. Allele origin: germline.

Labcorp Genetics (formerly Invitae), Labcorp
Classification: Uncertain significance for Fanconi anemia complementation group E. Last evaluated: 2022-09-07. Review status: criteria provided, single submitter. Criteria: Invitae Variant Classification Sherloc (09022015). Collection method: clinical testing. Allele origin: germline.
Comment: This sequence change replaces arginine, which is basic and polar, with glutamine, which is neutral and polar, at codon 69 of the FANCE protein (p.Arg69Gln). This variant is present in population databases (rs758238449, gnomAD 0.08%). This variant has not been reported in the literature in individuals affected with FANCE-related conditions. ClinVar contains an entry for this variant (Variation ID: 471924). Algorithms developed to predict the effect of missense changes on protein structure and function output the following: SIFT: "Tolerated"; PolyPhen-2: "Benign"; Align-GVGD: "Class C0". The glutamine amino acid residue is found in multiple mammalian species, which suggests that this missense change does not adversely affect protein function. In summary, the available evidence is currently insufficient to determine the role of this variant in disease. Therefore, it has been classified as a Variant of Uncertain Significance.

Ambry Genetics
Classification: Likely benign for Inborn genetic diseases. Last evaluated: 2021-12-14. Review status: criteria provided, single submitter. Criteria: Ambry Variant Classification Scheme 2023. Collection method: clinical testing. Allele origin: germline.

Genetic Services Laboratory, University of Chicago
Classification: Uncertain significance. Last evaluated: 2021-08-12. Review status: criteria provided, single submitter. Criteria: ACMG Guidelines, 2015. Collection method: clinical testing. Allele origin: germline. Affected: no.
Comment: DNA sequence analysis of the FANCE gene demonstrated a sequence change, c.206G>A, in exon 1 that results in an amino acid change, p.Arg69Gln. This sequence change has been described in the gnomAD database with frequency of 0.089% in the African American/African subpopulation (dbSNP rs758238449). The p.Arg69Gln change affects a poorly conserved amino acid residue located in a domain of the FANCE protein that is not known to be functional. The p.Arg69Gln substitution appears to be benign using several in-silico pathogenicity prediction tools (SIFT, PolyPhen2, Align GVGD, REVEL). This sequence change does not appear to have been previously described in patients with FANCE-related disorders. Due to insufficient evidences and the lack of functional studies, the clinical significance of the p.Arg69Gln change remains unknown at this time.

Baylor Genetics
Classification: Uncertain significance for Fanconi anemia complementation group E. Last evaluated: 2019-12-07. Review status: criteria provided, single submitter. Criteria: ACMG Guidelines, 2015. Collection method: clinical testing. Allele origin: unknown. Affected: yes. Study: CSER-TexasKidsCanSeq.
Comment: This variant was determined to be of uncertain significance according to ACMG Guidelines, 2015 [PMID:25741868].

Illumina Laboratory Services, Illumina
Classification: Uncertain significance for Fanconi anemia complementation group E. Last evaluated: 2017-04-28. Review status: criteria provided, single submitter. Criteria: ICSL Variant Classification Criteria 13 December 2019. Collection method: clinical testing. Allele origin: germline.

NM_021922.3(FANCE):c.206G>A (p.Arg69Gln)

Genes: FANCE (FA complementation group E; plus strand), LOC129996245 (ATAC-STARR-seq lymphoblastoid silent region 17092; plus strand). Cytogenetic location: 6p21.31.
Variant type: single nucleotide variant.
Coding change: c.206G>A on transcript NM_021922.3 (MANE Select); coding-DNA position 206, G replaced by A.
Protein change: p.Arg69Gln; replaces arginine 69 with glutamine.
Molecular consequence: missense variant.
Genome position (GRCh38, 1-based): chr6:35,452,751, G>A. VCF-style: chr6-35452751-G-A. GRCh37 (hg19) VCF-style: chr6-35420528-G-A.
Other names: short protein forms R69Q.
Identifiers: ClinVar variation 471924 (VCV000471924.19), dbSNP rs758238449, ClinGen allele CA3771352.
Genomic context (GRCh38, chr6:35,452,751, plus strand): 5'-CGCTGGGCAGCCGCGGCTGGGAGCCCTTCGACTGGGGTCGCTTGCTCGAGGCCCTGTGCC[G>A]GGAGGAGCCGGTCGTGCAGGGGCCTGACGGCCGTCTGGAGCTGTAAGTCCTCGCCCGCGG-3'
Protein context (NP_068741.1, residues 59-79): DWGRLLEALC[Arg69Gln]EEPVVQGPDG